The following is an entry in ClinVar:

NM_002838.5(PTPRC):c.836C>T (p.Ala279Val)

Gene: PTPRC (protein tyrosine phosphatase receptor type C; plus strand). Cytogenetic location: 1q32.1.
Variant type: single nucleotide variant.
Coding change: c.836C>T on transcript NM_002838.5 (MANE Select); coding-DNA position 836, C replaced by T.
Protein change: p.Ala279Val; replaces alanine 279 with valine.
Molecular consequence: missense variant.
Genome position (GRCh38, 1-based): chr1:198,706,884, C>T. VCF-style: chr1-198706884-C-T. GRCh37 (hg19) VCF-style: chr1-198676013-C-T.
Other names: c.353C>T, p.Ala118Val (NM_080921.4); short protein forms A279V, A118V.
Identifiers: ClinVar variation 2175099 (VCV002175099.1), dbSNP rs369888892, ClinGen allele CA1314621.
Genomic context (GRCh38, chr1:198,706,884, plus strand): 5'-AATGTGGAAACAATACTTGCACAAACAATGAGGTGCATAACCTTACAGAATGTAAAAATG[C>T]GTCTGTTTCCATATCTCATAATTCATGTACTGCTCCTGATAAGACATTAATATTAGATGT-3'
Protein context (NP_002829.3, residues 269-289): EVHNLTECKN[Ala279Val]SVSISHNSCT

ClinVar aggregate classification (germline): Uncertain significance (1 of 4 stars; one submission).

Conditions:
Immunodeficiency 104. Also called: Severe combined immunodeficiency, autosomal recessive, T cell-negative, B cell-positive, NK cell-positive; IMMUNODEFICIENCY 104, SEVERE COMBINED; SCID, AUTOSOMAL RECESSIVE, T CELL-NEGATIVE, B CELL-POSITIVE, NK CELL-POSITIVE; Severe Combined Immune Deficiency, Autosomal Recessive, TCell -Negative, B Cell-Positive, NK Cell-Positive, IL7R-Related. Identifiers: MedGen C5676890, MONDO:0012163, OMIM 608971.

Allele frequency attached by ClinVar (database versions not stated): gnomAD exomes 0.00002; ExAC 0.00003; gnomAD 0.00003; TOPMed 0.00006; ESP Exome Variant Server 0.00008.
gnomAD v4.1: 34 of 1,613,242 alleles (0.0021%); highest among the groups gnomAD compares: African/African-American, 0.012%; no homozygotes.

Submission:

Labcorp Genetics (formerly Invitae), Labcorp
Classification: Uncertain significance for Immunodeficiency 104. Last evaluated: 2022-10-05. Review status: criteria provided, single submitter. Criteria: Invitae Variant Classification Sherloc (09022015). Collection method: clinical testing. Allele origin: germline.
Comment: This sequence change replaces alanine, which is neutral and non-polar, with valine, which is neutral and non-polar, at codon 279 of the PTPRC protein (p.Ala279Val). This variant is present in population databases (rs369888892, gnomAD 0.01%). This variant has not been reported in the literature in individuals affected with PTPRC-related conditions. Algorithms developed to predict the effect of missense changes on protein structure and function (SIFT, PolyPhen-2, Align-GVGD) all suggest that this variant is likely to be tolerated. Algorithms developed to predict the effect of sequence changes on RNA splicing suggest that this variant may create or strengthen a splice site. In summary, the available evidence is currently insufficient to determine the role of this variant in disease. Therefore, it has been classified as a Variant of Uncertain Significance.